The following is an entry in ClinVar:

ClinVar aggregate classification (germline): Uncertain significance (1 of 4 stars; one submission).

Submission:

Labcorp Genetics (formerly Invitae), Labcorp
Classification: Uncertain significance. Last evaluated: 2021-12-02. Review status: criteria provided, single submitter. Criteria: Invitae Variant Classification Sherloc (09022015). Collection method: clinical testing. Allele origin: germline.
Comment: This variant has not been reported in the literature in individuals affected with EIF2B3-related conditions. This variant is not present in population databases (gnomAD no frequency). This sequence change replaces isoleucine, which is neutral and non-polar, with methionine, which is neutral and non-polar, at codon 109 of the EIF2B3 protein (p.Ile109Met). Algorithms developed to predict the effect of missense changes on protein structure and function are either unavailable or do not agree on the potential impact of this missense change (SIFT: "Deleterious"; PolyPhen-2: "Possibly Damaging"; Align-GVGD: "Class C0"). In summary, the available evidence is currently insufficient to determine the role of this variant in disease. Therefore, it has been classified as a Variant of Uncertain Significance.

NM_020365.5(EIF2B3):c.327A>G (p.Ile109Met)

Gene: EIF2B3 (eukaryotic translation initiation factor 2B subunit gamma; minus strand). Cytogenetic location: 1p34.1.
Variant type: single nucleotide variant.
Coding change: c.327A>G on transcript NM_020365.5 (MANE Select); coding-DNA position 327, A replaced by G.
Protein change: p.Ile109Met; replaces isoleucine 109 with methionine.
Molecular consequence: missense variant.
Genome position (GRCh38, 1-based): chr1:44,941,633, T>C on the plus strand (A>G on the coding strand, the complement: EIF2B3 is on the minus strand). VCF-style: chr1-44941633-T-C. GRCh37 (hg19) VCF-style: chr1-45407305-T-C.
Other names: c.327A>G, p.Ile109Met (NM_001166588.3, NM_001261418.2); short protein forms I109M.
Identifiers: ClinVar variation 1419692 (VCV001419692.6), dbSNP rs2148941841, ClinGen allele CA340107287.